The following is an entry in ClinVar:

NM_001122764.3(PPOX):c.987G>C (p.Gln329His)

Gene: PPOX (protoporphyrinogen oxidase; plus strand). Cytogenetic location: 1q23.3.
Variant type: single nucleotide variant.
Coding change: c.987G>C on transcript NM_001122764.3 (MANE Select); coding-DNA position 987, G replaced by C.
Protein change: p.Gln329His; replaces glutamine 329 with histidine.
Molecular consequence: missense variant.
Genome position (GRCh38, 1-based): chr1:161,170,024, G>C. VCF-style: chr1-161170024-G-C. GRCh37 (hg19) VCF-style: chr1-161139814-G-C.
Other names: c.501G>C, p.Gln167His (NM_001350131.2, NM_001365401.1, NM_001350130.2); c.987G>C, p.Gln329His (NM_001365398.1, NM_001365399.1, NM_000309.5); c.579G>C, p.Gln193His (NM_001365400.1, NM_001350129.2); c.888G>C, p.Gln296His (NM_001350128.2); short protein forms Q296H, Q167H, Q193H, Q329H.
Identifiers: ClinVar variation 1468077 (VCV001468077.6), dbSNP rs2101890627, ClinGen allele CA343356686.

ClinVar aggregate classification (germline): Uncertain significance (1 of 4 stars; one submission).

Submission:

Labcorp Genetics (formerly Invitae), Labcorp
Classification: Uncertain significance. Last evaluated: 2024-02-24. Review status: criteria provided, single submitter. Criteria: Invitae Variant Classification Sherloc (09022015). Collection method: clinical testing. Allele origin: germline.
Comment: This sequence change replaces glutamine, which is neutral and polar, with histidine, which is basic and polar, at codon 329 of the PPOX protein (p.Gln329His). This variant also falls at the last nucleotide of exon 9, which is part of the consensus splice site for this exon. This variant is not present in population databases (gnomAD no frequency). This variant has not been reported in the literature in individuals affected with PPOX-related conditions. ClinVar contains an entry for this variant (Variation ID: 1468077). An algorithm developed to predict the effect of missense changes on protein structure and function (PolyPhen-2) suggests that this variant is likely to be disruptive. Variants that disrupt the consensus splice site are a relatively common cause of aberrant splicing (PMID: 17576681, 9536098). Algorithms developed to predict the effect of sequence changes on RNA splicing suggest that this variant may disrupt the consensus splice site. In summary, the available evidence is currently insufficient to determine the role of this variant in disease. Therefore, it has been classified as a Variant of Uncertain Significance.

Literature cited by the submitters: PubMed 17576681; PubMed 9536098.